The following is an entry in ClinVar:

NM_001127178.3(PIGG):c.1702dup (p.Ser568fs)

Gene: PIGG (phosphatidylinositol glycan anchor biosynthesis class G (EMM blood group); plus strand). Cytogenetic location: 4p16.3.
Variant type: Duplication.
Coding change: c.1702dup on transcript NM_001127178.3 (MANE Select); coding-DNA position 1702, one base duplicated (A; older notation c.1702dupA).
Protein change: p.Ser568fs; shifts the reading frame from serine 568.
Molecular consequence: frameshift variant. On other transcripts: non-coding transcript variant (7).
Genome position (GRCh38, 1-based): chr4:523,546, A duplicated. VCF-style (leftmost placement, unchanged base first): chr4-523545-C-CA. GRCh37 (hg19) VCF-style: chr4-517334-C-CA.
Other names: c.1702dupA (NM_001127178.3); c.1435dup, p.Ser479fs (NM_001289051.2, NM_001345986.2); c.1303dup, p.Ser435fs (NM_001289052.2); c.1411dup, p.Ser471fs (NM_001345987.2); c.673dup, p.Ser225fs (NM_001345988.2); c.169dup, p.Ser57fs (NM_001345990.2, NM_001345991.2); c.604dup, p.Ser202fs (NM_001345994.2); c.1678dup, p.Ser560fs (NM_017733.5); short protein forms S202fs, S435fs, S560fs, S225fs, S471fs, S479fs, S57fs, S568fs.
Identifiers: ClinVar variation 2194645 (VCV002194645.8), dbSNP rs1226175402, ClinGen allele CA549262941.

ClinVar aggregate classification (germline): Pathogenic. Review status: criteria provided, multiple submitters, no conflicts (2 of 4 stars). 3 submissions from 3 submitters: Pathogenic (3). Last evaluated 2026-01-08.

Conditions:
Intellectual disability, autosomal recessive 53 (NEDHSCA). Also called: GLYCOSYLPHOSPHATIDYLINOSITOL BIOSYNTHESIS DEFECT 13; Mental retardation, autosomal recessive 53; NEURODEVELOPMENTAL DISORDER WITH OR WITHOUT HYPOTONIA, SEIZURES, AND CEREBELLAR ATROPHY. Identifiers: Orphanet 488635, MedGen C4310794, MONDO:0014832, OMIM 616917.

Allele frequency attached by ClinVar (database versions not stated): gnomAD exomes below 0.00001.

Submissions (3):

GeneDx
Classification: Pathogenic. Last evaluated: 2026-01-08. Review status: criteria provided, single submitter. Criteria: GeneDx Variant Classification Process June 2021. Collection method: clinical testing. Allele origin: germline. Affected: yes.
Comment: Frameshift variant predicted to result in protein truncation or nonsense mediated decay in a gene for which loss of function is a known mechanism of disease; Not observed at significant frequency in large population cohorts (gnomAD); Has not been previously published as pathogenic or benign to our knowledge

Labcorp Genetics (formerly Invitae), Labcorp
Classification: Pathogenic for Intellectual disability, autosomal recessive 53. Last evaluated: 2024-05-12. Review status: criteria provided, single submitter. Criteria: Invitae Variant Classification Sherloc (09022015). Collection method: clinical testing. Allele origin: germline.
Comment: This sequence change creates a premature translational stop signal (p.Ser568Lysfs*35) in the PIGG gene. It is expected to result in an absent or disrupted protein product. Loss-of-function variants in PIGG are known to be pathogenic (PMID: 26996948, 28581210, 28771251). This variant is present in population databases (no rsID available, gnomAD 0.003%). This variant has not been reported in the literature in individuals affected with PIGG-related conditions. ClinVar contains an entry for this variant (Variation ID: 2194645). For these reasons, this variant has been classified as Pathogenic.

Women's Health and Genetics/Laboratory Corporation of America, LabCorp
Classification: Pathogenic for Intellectual disability, autosomal recessive 53. Last evaluated: 2024-04-19. Review status: criteria provided, single submitter. Criteria: LabCorp Variant Classification Summary - May 2015. Collection method: clinical testing. Allele origin: germline.
Comment: Variant summary: PIGG c.1702dupA (p.Ser568LysfsX35) results in a premature termination codon, predicted to cause a truncation of the encoded protein or absence of the protein due to nonsense mediated decay, which are commonly known mechanisms for disease. The variant allele was found at a frequency of 4e-06 in 251228 control chromosomes. To our knowledge, no occurrence of c.1702dupA in individuals affected with Intellectual Disability, Autosomal Recessive 53 and no experimental evidence demonstrating its impact on protein function have been reported. ClinVar contains an entry for this variant (Variation ID: 2194645). Based on the evidence outlined above, the variant was classified as pathogenic.

Literature cited by the submitters: PubMed 26996948 (cited by Labcorp Genetics (formerly Invitae), Labcorp); PubMed 28581210 (cited by Labcorp Genetics (formerly Invitae), Labcorp); PubMed 28771251 (cited by Labcorp Genetics (formerly Invitae), Labcorp).